The following is an entry in ClinVar:

ClinVar aggregate classification (germline): Uncertain significance (1 of 4 stars; one submission).

gnomAD v4.1: 115 of 1,614,098 alleles (0.0071%); highest among the groups gnomAD compares: African/African-American, 0.14%; no homozygotes.

Submission:

Labcorp Genetics (formerly Invitae), Labcorp
Classification: Uncertain significance. Last evaluated: 2024-10-29. Review status: criteria provided, single submitter. Criteria: Invitae Variant Classification Sherloc (09022015). Collection method: clinical testing. Allele origin: germline.
Comment: This sequence change replaces threonine, which is neutral and polar, with arginine, which is basic and polar, at codon 399 of the SLC7A9 protein (p.Thr399Arg). This variant is present in population databases (rs143927415, gnomAD 0.1%). This variant has not been reported in the literature in individuals affected with SLC7A9-related conditions. Invitae Evidence Modeling of protein sequence and biophysical properties (such as structural, functional, and spatial information, amino acid conservation, physicochemical variation, residue mobility, and thermodynamic stability) indicates that this missense variant is not expected to disrupt SLC7A9 protein function with a negative predictive value of 80%. In summary, the available evidence is currently insufficient to determine the role of this variant in disease. Therefore, it has been classified as a Variant of Uncertain Significance.

NM_014270.5(SLC7A9):c.1196C>G (p.Thr399Arg)

Gene: SLC7A9 (solute carrier family 7 member 9; minus strand). Cytogenetic location: 19q13.11.
Variant type: single nucleotide variant.
Coding change: c.1196C>G on transcript NM_014270.5 (MANE Select); coding-DNA position 1196, C replaced by G.
Protein change: p.Thr399Arg; replaces threonine 399 with arginine.
Molecular consequence: missense variant.
Genome position (GRCh38, 1-based): chr19:32,842,196, G>C on the plus strand (C>G on the coding strand, the complement: SLC7A9 is on the minus strand). VCF-style: chr19-32842196-G-C. GRCh37 (hg19) VCF-style: chr19-33333102-G-C.
Other names: c.1196C>G, p.Thr399Arg (NM_001126335.2, NM_001243036.2); short protein forms T399R.
Identifiers: ClinVar variation 3659593 (VCV003659593.2).